The following is an entry in ClinVar:

NM_002609.4(PDGFRB):c.2523G>A (p.Lys841=)

Gene: PDGFRB (platelet derived growth factor receptor beta; minus strand). Cytogenetic location: 5q32.
Variant type: single nucleotide variant.
Coding change: c.2523G>A on transcript NM_002609.4 (MANE Select); coding-DNA position 2523, G replaced by A.
Protein change: p.Lys841=; no amino-acid change (lysine 841 retained).
Molecular consequence: synonymous variant.
Genome position (GRCh38, 1-based): chr5:150,120,951, C>T on the plus strand (G>A on the coding strand, the complement: PDGFRB is on the minus strand). VCF-style: chr5-150120951-C-T. GRCh37 (hg19) VCF-style: chr5-149500514-C-T.
Other names: p.Lys841=; c.2331G>A, p.Lys777= (NM_001355016.2); c.2040G>A, p.Lys680= (NM_001355017.2).
Identifiers: ClinVar variation 286389 (VCV000286389.49), dbSNP rs41287108, ClinGen allele CA3507608.

ClinVar aggregate classification (germline): Benign/Likely benign. Review status: criteria provided, multiple submitters, no conflicts (2 of 4 stars). 13 submissions from 12 submitters: Benign (4); Likely benign (5). 4 of the submissions do not count toward it. Last evaluated 2026-07-01.

Conditions:
PDGFRB-related disorder. Also called: PDGFRB-related condition.
Acroosteolysis-keloid-like lesions-premature aging syndrome. Also called: Progeroid syndrome, Penttinen type; Premature aging syndrome, Penttinen type; Prematurely aged appearance, delayed bone maturation, acro-osteolysis, and brachydactyly. Identifiers: Orphanet 363665, MedGen C1866182, MONDO:0011150, OMIM 601812.
Skeletal overgrowth-craniofacial dysmorphism-hyperelastic skin-white matter lesions syndrome. Also called: SKELETAL OVERGROWTH WITH FACIAL DYSMORPHISM, HYPERELASTIC SKIN, WHITE MATTER LESIONS, AND NEUROLOGIC DETERIORATION; Kosaki overgrowth syndrome. Identifiers: Orphanet 477831, MedGen C4225270, MONDO:0014704, OMIM 616592.
Infantile myofibromatosis (IMF). Also called: Congenital generalized fibromatosis. Identifiers: Orphanet 2591, MedGen C0432284, MONDO:0016824.
Basal ganglia calcification, idiopathic, 4 (PFBC4). Also called: Familial Idiopathic Basal Ganglia Calcification 4; PRIMARY FAMILIAL BRAIN CALCIFICATION 4, AUTOSOMAL DOMINANT. Identifiers: Orphanet 1980, MedGen C3554321, MONDO:0014004, OMIM 615007.
Myofibromatosis, infantile, 1. Also called: Myofibromatosis, juvenile. Identifiers: Orphanet 2591, MedGen C4551572, MONDO:0009227, OMIM 228550.
Myeloproliferative disorder, chronic, with eosinophilia. Also called: Malignant eosinophil proliferation; EOSINOPHILS, MALIGNANT PROLIFERATION OF. Identifiers: MedGen C1851585, MONDO:0007546, OMIM 131440, HP:0006782.

Allele frequency attached by ClinVar (database versions not stated): 1000 Genomes Project 0.00140; gnomAD 0.00243 and 0.00236; gnomAD exomes 0.00309 and 0.00352; 1000 Genomes Project 30x 0.00141; TOPMed 0.00272; ExAC 0.00332; ESP Exome Variant Server 0.00346.
gnomAD v4.1: 5,534 of 1,613,974 alleles (0.34%); highest among the groups gnomAD compares: Middle Eastern, 1%; 29 homozygotes.

Submissions (13):

CeGaT Center for Human Genetics Tuebingen
Classification: Likely benign. Last evaluated: 2026-07-01. Review status: criteria provided, single submitter. Criteria: CeGaT Center For Human Genetics Tuebingen Variant Classification Criteria Version 2. Collection method: clinical testing. Allele origin: germline. Affected: yes. Observed: 7 variant alleles.
Comment: PDGFRB: BP4, BS2

Labcorp Genetics (formerly Invitae), Labcorp
Classification: Benign for Basal ganglia calcification, idiopathic, 4; Skeletal overgrowth-craniofacial dysmorphism-hyperelastic skin-white matter lesions syndrome; Infantile myofibromatosis; Acroosteolysis-keloid-like lesions-premature aging syndrome. Last evaluated: 2026-01-19. Review status: criteria provided, single submitter. Criteria: Invitae Variant Classification Sherloc (09022015). Collection method: clinical testing. Allele origin: germline.

KCCC/NGS Laboratory, Kuwait Cancer Control Center
Classification: Benign for Myofibromatosis, infantile, 1. Last evaluated: 2025-02-01. Review status: criteria provided, single submitter. Criteria: ACMG Guidelines, 2015. Collection method: clinical testing. Allele origin: germline. Affected: no.

Blueprint Genetics
Classification: Likely benign. Last evaluated: 2024-11-25. Review status: criteria provided, single submitter. Criteria: ACMG Guidelines, 2015. Collection method: clinical testing. Allele origin: germline.

KCCC/NGS Laboratory, Kuwait Cancer Control Center
Classification: Likely benign for Myeloproliferative disorder, chronic, with eosinophilia. Last evaluated: 2023-07-07. Review status: criteria provided, single submitter. Criteria: ACMG Guidelines, 2015. Collection method: clinical testing. Allele origin: germline. Affected: yes.

Mayo Clinic Laboratories, Mayo Clinic
Classification: Benign. Last evaluated: 2023-05-25. Review status: criteria provided, single submitter. Criteria: ACMG Guidelines, 2015. Collection method: clinical testing. Allele origin: germline. Observed: 8 variant alleles.
Comment: BS1, BS2, BP4, BP7

GeneDx
Classification: Benign. Last evaluated: 2021-05-28. Review status: criteria provided, single submitter. Criteria: GeneDx Variant Classification Process June 2021. Collection method: clinical testing. Allele origin: germline. Affected: yes.
Comment: This variant is associated with the following publications: (PMID: 27535533)

Eurofins Ntd Llc (ga)
Classification: Likely benign. Last evaluated: 2016-03-08. Review status: criteria provided, single submitter. Criteria: EGL Classification Definitions 2015. Collection method: clinical testing. Allele origin: germline. Observed: 1 variant allele, 1 heterozygote.

Breakthrough Genomics
Classification: Likely benign. Review status: criteria provided, single submitter. Criteria: ACMG Guidelines, 2015. Collection method: not provided. Allele origin: germline. Inheritance: Autosomal dominant inheritance. Affected: yes.

PreventionGenetics, part of Exact Sciences
Classification: Likely benign for PDGFRB-related condition. Last evaluated: 2019-04-12. Review status: no assertion criteria provided. Collection method: clinical testing. Allele origin: germline. Not counted in ClinVar's aggregate classification.
Comment: This variant is classified as likely benign based on ACMG/AMP sequence variant interpretation guidelines (Richards et al. 2015 PMID: 25741868, with internal and published modifications).

Clinical Genetics DNA and cytogenetics Diagnostics Lab, Erasmus MC, Erasmus Medical Center
Classification: Likely benign. Review status: no assertion criteria provided. Collection method: clinical testing. Allele origin: germline. Affected: yes. Study: VKGL Data-share Consensus. Not counted in ClinVar's aggregate classification.

Genome Diagnostics Laboratory, Amsterdam University Medical Center
Classification: Likely benign. Review status: no assertion criteria provided. Collection method: clinical testing. Allele origin: germline. Affected: yes. Study: VKGL Data-share Consensus. Not counted in ClinVar's aggregate classification.

Laboratory of Diagnostic Genome Analysis, Leiden University Medical Center (LUMC)
Classification: Likely benign. Review status: no assertion criteria provided. Collection method: clinical testing. Allele origin: germline. Affected: yes. Study: VKGL Data-share Consensus. Not counted in ClinVar's aggregate classification.